The following is an entry in ClinVar:

ClinVar aggregate classification (germline): Pathogenic (1 of 4 stars; one submission).

Conditions:
Hereditary breast ovarian cancer syndrome. Also called: Hereditary breast and/or ovarian cancer syndrome; Hereditary breast and ovarian cancer syndrome (HBOC); Breast and ovarian cancer; Hereditary breast and ovarian cancer; BRCA1- and BRCA2-Associated Hereditary Breast and Ovarian Cancer; Hereditary breast and ovarian cancer syndrome. Identifiers: Orphanet 145, MedGen C0677776, MeSH D061325, MONDO:0003582. Disease mechanism: loss of function.

Submission:

Labcorp Genetics (formerly Invitae), Labcorp
Classification: Pathogenic for Hereditary breast and ovarian cancer syndrome. Last evaluated: 2019-12-20. Review status: criteria provided, single submitter. Criteria: Invitae Variant Classification Sherloc (09022015). Collection method: clinical testing. Allele origin: germline.
Comment: This variant is a gross deletion of the genomic region encompassing exon 23 of the BRCA1 gene. The 5' boundary is likely confined to intron 22. The 3' end of this event is unknown as it extends through the termination codon beyond the assayed region for this gene and may encompass additional genes. While this deletion is not anticipated to result in nonsense mediated decay, it is expected to create a truncated protein product or disrupt mRNA translation. Deletions of exon 23 have been reported in individuals with a personal or family history of breast and ovarian cancer (PMID: 24825132, 25428789, 18431737). A deletion of exon 23 is also known as a deletion of exon 24 in the literature. This deletion is expected to partially remove the C-terminal BRCT domain of the BRCA1 protein, which is important for DNA repair activity (PMID: 14576433, 15133503). A different deleterious variant (p.Tyr1853*) within the deleted sequence of this variant has been shown to disrupt BRCA1 protein function (PMID: 8942979, 20681793, 10811118, 11256609, 17308087), suggesting that although this particular variant may not result in nonsense mediated decay, it is expected to affect BRCA1 protein function. For these reasons, this variant has been classified as Pathogenic.

Literature cited by the submitters: PubMed 17308087; PubMed 15133503; PubMed 24825132; PubMed 8942979; PubMed 11256609; PubMed 18431737; PubMed 10811118; PubMed 20681793; PubMed 14576433; PubMed 25428789.

NC_000017.11:g.(?_43044960)_(43045822_?)del

Gene: BRCA1 (BRCA1 DNA repair associated; minus strand). Cytogenetic location: 17q21.31.
Variant type: Deletion.
Identifiers: ClinVar variation 830601 (VCV000830601.1).